The following is an entry in ClinVar:

ClinVar aggregate classification (germline): Conflicting classifications of pathogenicity. Review status: criteria provided, conflicting classifications (1 of 4 stars). 7 submissions from 7 submitters: Likely pathogenic (4); Uncertain significance (1). 2 of the submissions do not count toward it. Last evaluated 2025-12-22.

Conditions:
Inborn genetic diseases. Identifiers: MedGen C0950123, MeSH D030342.
Neuronal ceroid lipofuscinosis. Also called: Neuronal Ceroid Lipofuscinoses. Identifiers: Orphanet 216, Orphanet 79263, MedGen C0027877, MONDO:0016295. Disease mechanism: loss of function.
Neuronal ceroid lipofuscinosis 5 (CLN5). Also called: CEROID LIPOFUSCINOSIS, NEURONAL, 5, VARIABLE AGE AT ONSET; Neuronal ceroid lipofuscinosis Finnish variant; NEURONAL CEROID LIPOFUSCINOSIS, LATE INFANTILE, FINNISH VARIANT; CLN5-Related Neuronal Ceroid-Lipofuscinosis. Identifiers: Orphanet 168491, Orphanet 228360, MedGen C1850442, MONDO:0009745, OMIM 256731.

Allele frequency attached by ClinVar (database versions not stated): gnomAD 0.00001; gnomAD exomes 0.00001; TOPMed below 0.00001.
gnomAD v4.1: 11 of 1,613,456 alleles (0.00068%); highest among the groups gnomAD compares: Admixed American, 0.0017%; no homozygotes.

Submissions (7):

Dasa
Classification: Likely pathogenic for Neuronal ceroid lipofuscinosis 5. Last evaluated: 2025-12-22. Review status: criteria provided, single submitter. Criteria: DASA Assertion Criteria. Collection method: clinical testing. Allele origin: germline.
Comment: NM_006493.4(CLN5):c.187C>T (p.Arg63Cys) is a missense variant that results in the substitution of arginine with cysteine. The affected residue or protein region has prior evidence supporting clinical relevance. Segregation data support an association with disease in the reported family/families (PMID: 30078242). This variant has been reported in individuals with CLN5-related disorders (PMID: 30078242). Also, this variant is rare in population databases. Computational evidence supports a deleterious effect. Based on the currently available evidence, this variant is classified as likely pathogenic.

Fulgent Genetics
Classification: Likely pathogenic for Neuronal ceroid lipofuscinosis 5. Last evaluated: 2024-06-17. Review status: criteria provided, single submitter. Criteria: ACMG Guidelines, 2015. Collection method: clinical testing. Allele origin: germline.

Labcorp Genetics (formerly Invitae), Labcorp
Classification: Likely pathogenic for Neuronal ceroid lipofuscinosis. Last evaluated: 2023-12-17. Review status: criteria provided, single submitter. Criteria: Invitae Variant Classification Sherloc (09022015). Collection method: clinical testing. Allele origin: germline.
Comment: This sequence change replaces arginine, which is basic and polar, with cysteine, which is neutral and slightly polar, at codon 112 of the CLN5 protein (p.Arg112Cys). This variant is present in population databases (rs786205211, gnomAD 0.007%). This missense change has been observed in individual(s) with late infantile neuronal ceroid lipofuscinosis (PMID: 30078242). It has also been observed to segregate with disease in related individuals. ClinVar contains an entry for this variant (Variation ID: 190222). Advanced modeling of protein sequence and biophysical properties (such as structural, functional, and spatial information, amino acid conservation, physicochemical variation, residue mobility, and thermodynamic stability) performed at Invitae indicates that this missense variant is expected to disrupt CLN5 protein function with a positive predictive value of 80%. This variant disrupts the p.Arg112 amino acid residue in CLN5. Other variant(s) that disrupt this residue have been determined to be pathogenic (PMID: 15728307, 20052765, 30078242). This suggests that this residue is clinically significant, and that variants that disrupt this residue are likely to be disease-causing. In summary, the currently available evidence indicates that the variant is pathogenic, but additional data are needed to prove that conclusively. Therefore, this variant has been classified as Likely Pathogenic.

Genome-Nilou Lab
Classification: Likely pathogenic for Neuronal ceroid lipofuscinosis 5. Last evaluated: 2021-08-10. Review status: criteria provided, single submitter. Criteria: ACMG Guidelines, 2015. Collection method: clinical testing. Allele origin: germline. Affected: no.

Ambry Genetics
Classification: Uncertain significance for Inborn genetic diseases. Last evaluated: 2018-03-12. Review status: criteria provided, single submitter. Criteria: Ambry Variant Classification Scheme 2023. Collection method: clinical testing. Allele origin: germline.
Comment: The p.R112C variant (also known as c.334C>T), located in coding exon 2 of the CLN5 gene, results from a C to T substitution at nucleotide position 334. The arginine at codon 112 is replaced by cysteine, an amino acid with highly dissimilar properties. This amino acid position is highly conserved in available vertebrate species. In addition, this alteration is predicted to be deleterious by in silico analysis. Since supporting evidence is limited at this time, the clinical significance of this alteration remains unclear.

Counsyl
Classification: Uncertain significance for Neuronal ceroid lipofuscinosis 5. Last evaluated: 2017-10-16. Review status: no assertion criteria provided. Collection method: clinical testing. Allele origin: unknown. Not counted in ClinVar's aggregate classification.

Mendelics
Classification: Likely pathogenic for Ceroid lipofuscinosis neuronal 5. Last evaluated: 2015-02-14. Review status: no assertion criteria provided. Collection method: clinical testing. Allele origin: germline. Affected: yes. Not counted in ClinVar's aggregate classification.

Literature cited by the submitters: PubMed 30078242 (cited by Dasa and Labcorp Genetics (formerly Invitae), Labcorp); PubMed 15728307 (cited by Labcorp Genetics (formerly Invitae), Labcorp); PubMed 20052765 (cited by Labcorp Genetics (formerly Invitae), Labcorp); PubMed 20301601 (cited by Mendelics).

NM_006493.4(CLN5):c.187C>T (p.Arg63Cys)

Gene: CLN5 (CLN5 lysosomal BMP synthase; plus strand). Cytogenetic location: 13q22.3.
Variant type: single nucleotide variant.
Coding change: c.187C>T on transcript NM_006493.4 (MANE Select); coding-DNA position 187, C replaced by T.
Protein change: p.Arg63Cys; replaces arginine 63 with cysteine.
Molecular consequence: missense variant.
Genome position (GRCh38, 1-based): chr13:76,995,076, C>T. VCF-style: chr13-76995076-C-T. GRCh37 (hg19) VCF-style: chr13-77569211-C-T.
Other names: c.187C>T, p.Arg63Cys (NM_001366624.2); short protein forms R63C.
Identifiers: ClinVar variation 190222 (VCV000190222.18), dbSNP rs786205211, ClinGen allele CA274758.